The following is an entry in ClinVar:

NM_025114.4(CEP290):c.739_740del (p.Val247fs)

Gene: CEP290 (centrosomal protein 290; minus strand). Cytogenetic location: 12q21.32.
Variant type: Deletion.
Coding change: c.739_740del on transcript NM_025114.4 (MANE Select); coding-DNA positions 739 to 740, 2 bases deleted (GT; older notation c.739_740delGT).
Protein change: p.Val247fs; shifts the reading frame from valine 247.
Molecular consequence: frameshift variant.
Genome position (GRCh38, 1-based): chr12:88,129,806-88,129,807, AC deleted on the plus strand (GT on the coding strand, the reverse complement: CEP290 is on the minus strand); deleting any 2 consecutive bases within chr12:88,129,806-88,129,808 gives the same sequence; the c. name uses the placement nearest the transcript's 3' end. VCF-style (leftmost placement, unchanged base first): chr12-88129805-TAC-T. GRCh37 (hg19) VCF-style: chr12-88523582-TAC-T.
Other names: short protein forms V247fs.
Identifiers: ClinVar variation 817762 (VCV000817762.1), dbSNP rs1592671618, ClinGen allele CA915946667.
Genomic context (GRCh38, chr12:88,129,805, plus strand): 5'-TGTCTGATGCACAATAGCTTTCATTCTATTATATTCATCAGTCATCTTCTCCATTTCCTG[TAC>T]AGACTCTTCTAAATTTTTTCTCATTTCTTGATTCTGAACTTCAATTTTCTCATTAGCTTC-3'

ClinVar aggregate classification (germline): Likely pathogenic (1 of 4 stars; one submission).

Submission:

GeneDx
Classification: Likely pathogenic. Last evaluated: 2018-08-15. Review status: criteria provided, single submitter. Criteria: GeneDx Variant Classification (06012015). Collection method: clinical testing. Allele origin: germline. Affected: yes.
Comment: The c.739_740delGT variant has not been published as a pathogenic variant, nor has it been reported as a benign variant to our knowledge. The c.739_740delGT variant is not observed in large population cohorts (Lek et al., 2016). The c.739_740delGT variant causes a frameshift starting with codon Valine 247, changes this amino acid to a Threonine residue and creates a premature Stop codon at position 8 of the new reading frame, denoted p.Val247ThrfsX8. This variant is predicted to cause loss of normal protein function either through protein truncation or nonsense-mediated mRNA decay. Therefore, this variant is likely pathogenic; however, the possibility that it is benign cannot be excluded.